The following is an entry in ClinVar:

NM_001365902.3(NFIX):c.90G>A (p.Trp30Ter)

Gene: NFIX (nuclear factor I X; plus strand). Cytogenetic location: 19p13.13.
Variant type: single nucleotide variant.
Coding change: c.90G>A on transcript NM_001365902.3 (MANE Select); coding-DNA position 90, G replaced by A.
Protein change: p.Trp30Ter; replaces tryptophan 30 with a stop codon.
Molecular consequence: nonsense. On other transcripts: 5 prime UTR variant (1).
Genome position (GRCh38, 1-based): chr19:13,025,083, G>A. VCF-style: chr19-13025083-G-A. GRCh37 (hg19) VCF-style: chr19-13135897-G-A.
Other names: c.114G>A, p.Trp38Ter (NM_001271043.2); c.66G>A, p.Trp22Ter (NM_001271044.3, NM_001378404.1); c.90G>A, p.Trp30Ter (NM_001365982.2, NM_002501.4); c.-52G>A (NM_001365983.2); c.87G>A, p.Trp29Ter (NM_001365984.2, NM_001365985.2); c.138G>A, p.Trp46Ter (NM_001378405.1); short protein forms W22*, W29*, W30*, W38*, W46*.
Identifiers: ClinVar variation 3392613 (VCV003392613.1).

ClinVar aggregate classification (germline): Pathogenic (1 of 4 stars; one submission).

Submission:

GeneDx
Classification: Pathogenic. Last evaluated: 2024-06-26. Review status: criteria provided, single submitter. Criteria: GeneDx Variant Classification Process June 2021. Collection method: clinical testing. Allele origin: germline. Affected: yes.
Comment: Observed in a patient with developmental delay who underwent exome sequencing (PMID: 32005694); Nonsense variant predicted to result in protein truncation or nonsense mediated decay in a gene for which loss of function is a known mechanism of disease; Not observed at significant frequency in large population cohorts (gnomAD); This variant is associated with the following publications: (PMID: 32005694, 34788679)